The following is an entry in ClinVar:

ClinVar aggregate classification (germline): Uncertain significance. Review status: criteria provided, multiple submitters, no conflicts (2 of 4 stars). 2 submissions from 2 submitters: Uncertain significance (2). Last evaluated 2024-10-21.

Conditions:
Hereditary cancer-predisposing syndrome. Also called: Hereditary Cancer Syndrome; Tumor predisposition; Hereditary neoplastic syndrome; Neoplastic Syndromes, Hereditary. Identifiers: Orphanet 140162, MedGen C0027672, MeSH D009386, MONDO:0015356.

Submissions (2):

Labcorp Genetics (formerly Invitae), Labcorp
Classification: Uncertain significance. Last evaluated: 2024-10-21. Review status: criteria provided, single submitter. Criteria: Invitae Variant Classification Sherloc (09022015). Collection method: clinical testing. Allele origin: germline.
Comment: This sequence change replaces glutamic acid, which is acidic and polar, with glycine, which is neutral and non-polar, at codon 691 of the MSH3 protein (p.Glu691Gly). This variant is not present in population databases (gnomAD no frequency). This variant has not been reported in the literature in individuals affected with MSH3-related conditions. ClinVar contains an entry for this variant (Variation ID: 1056285). An algorithm developed to predict the effect of missense changes on protein structure and function (PolyPhen-2) suggests that this variant is likely to be tolerated. In summary, the available evidence is currently insufficient to determine the role of this variant in disease. Therefore, it has been classified as a Variant of Uncertain Significance.

Ambry Genetics
Classification: Uncertain significance for Hereditary cancer-predisposing syndrome. Last evaluated: 2024-04-26. Review status: criteria provided, single submitter. Criteria: Ambry Variant Classification Scheme 2023. Collection method: clinical testing. Allele origin: germline.
Comment: The p.E691G variant (also known as c.2072A>G), located in coding exon 14 of the MSH3 gene, results from an A to G substitution at nucleotide position 2072. The glutamic acid at codon 691 is replaced by glycine, an amino acid with similar properties. This amino acid position is highly conserved in available vertebrate species. In addition, the in silico prediction for this alteration is inconclusive. Since supporting evidence is limited at this time, the clinical significance of this alteration remains unclear.

NM_002439.5(MSH3):c.2072A>G (p.Glu691Gly)

Gene: MSH3 (mutS homolog 3; plus strand). Cytogenetic location: 5q14.1.
Variant type: single nucleotide variant.
Coding change: c.2072A>G on transcript NM_002439.5 (MANE Select); coding-DNA position 2072, A replaced by G.
Protein change: p.Glu691Gly; replaces glutamic acid 691 with glycine.
Molecular consequence: missense variant.
Genome position (GRCh38, 1-based): chr5:80,768,108, A>G. VCF-style: chr5-80768108-A-G. GRCh37 (hg19) VCF-style: chr5-80063927-A-G.
Other names: short protein forms E691G.
Identifiers: ClinVar variation 1056285 (VCV001056285.12), dbSNP rs1744155026, ClinGen allele CA360277969.